The following is an entry in ClinVar:

NM_000355.4(TCN2):c.44G>A (p.Gly15Glu)

Genes: TCN2 (transcobalamin 2; plus strand), LOC121853040 (Sharpr-MPRA regulatory region 10016; plus strand). Cytogenetic location: 22q12.2.
Variant type: single nucleotide variant.
Coding change: c.44G>A on transcript NM_000355.4 (MANE Select); coding-DNA position 44, G replaced by A.
Protein change: p.Gly15Glu; replaces glycine 15 with glutamic acid.
Molecular consequence: missense variant.
Genome position (GRCh38, 1-based): chr22:30,607,375, G>A. VCF-style: chr22-30607375-G-A. GRCh37 (hg19) VCF-style: chr22-31003362-G-A.
Other names: c.44G>A, p.Gly15Glu (NM_001184726.2); short protein forms G15E.
Identifiers: ClinVar variation 1989833 (VCV001989833.1), dbSNP rs753691523, ClinGen allele CA10184435.

ClinVar aggregate classification (germline): Uncertain significance (1 of 4 stars; one submission).

Conditions:
Transcobalamin II deficiency (TCN2D). Also called: TC II DEFICIENCY; TCN2 DEFICIENCY; Transcolabamin II deficiency. Identifiers: Orphanet 859, MedGen C0342701, MONDO:0010149, OMIM 275350.

Allele frequency attached by ClinVar (database versions not stated): gnomAD exomes 0.00001; ExAC 0.00002.
gnomAD v4.1: 3 of 1,614,126 alleles (0.00019%); highest among the groups gnomAD compares: Admixed American, 0.0017%; no homozygotes.

Submission:

Labcorp Genetics (formerly Invitae), Labcorp
Classification: Uncertain significance for Transcobalamin II deficiency. Last evaluated: 2022-08-19. Review status: criteria provided, single submitter. Criteria: Invitae Variant Classification Sherloc (09022015). Collection method: clinical testing. Allele origin: germline.
Comment: This sequence change replaces glycine, which is neutral and non-polar, with glutamic acid, which is acidic and polar, at codon 15 of the TCN2 protein (p.Gly15Glu). This variant is present in population databases (rs753691523, gnomAD 0.006%). This variant has not been reported in the literature in individuals affected with TCN2-related conditions. Algorithms developed to predict the effect of missense changes on protein structure and function are either unavailable or do not agree on the potential impact of this missense change (SIFT: "Tolerated"; PolyPhen-2: "Probably Damaging"; Align-GVGD: "Class C0"). In summary, the available evidence is currently insufficient to determine the role of this variant in disease. Therefore, it has been classified as a Variant of Uncertain Significance.